The following is an entry in ClinVar:

ClinVar aggregate classification (germline): Likely benign (1 of 4 stars; one submission).

Submission:

CeGaT Center for Human Genetics Tuebingen
Classification: Likely benign. Last evaluated: 2026-04-01. Review status: criteria provided, single submitter. Criteria: CeGaT Center For Human Genetics Tuebingen Variant Classification Criteria Version 2. Collection method: clinical testing. Allele origin: germline. Affected: yes. Observed: 1 variant allele.
Comment: RIPOR2: PM2:Supporting, BP4, BP7

NM_001286445.3(RIPOR2):c.1329G>T (p.Ala443=)

Gene: RIPOR2 (RHO family interacting cell polarization regulator 2; minus strand). Cytogenetic location: 6p22.3.
Variant type: single nucleotide variant.
Coding change: c.1329G>T on transcript NM_001286445.3 (MANE Select); coding-DNA position 1329, G replaced by T.
Protein change: p.Ala443=; no amino-acid change (alanine 443 retained).
Molecular consequence: synonymous variant.
Genome position (GRCh38, 1-based): chr6:24,843,390, C>A on the plus strand (G>T on the coding strand, the complement: RIPOR2 is on the minus strand). VCF-style: chr6-24843390-C-A. GRCh37 (hg19) VCF-style: chr6-24843618-C-A.
Other names: c.1344G>T, p.Ala448= (NM_001286446.3); c.1242G>T, p.Ala414= (NM_001286447.2, NM_001346031.2, NM_001346032.2 and 1 more transcripts); c.1392G>T, p.Ala464= (NM_014722.5).
Identifiers: ClinVar variation 4874342 (VCV004874342.2).
Genomic context (GRCh38, chr6:24,843,390, plus strand): 5'-TGCTGAGCTGGTGTCATCCATACCCTCATTCTGGGAGGCCAAGCTGCTGAGGTTAAACTC[C>A]GCAGGGGTGATGGTAATTTCTGGATTTGTTGAGTTGGAAGGGGAGCCTGTTGAGTGGGAG-3'
Protein context (NP_001273374.1, residues 433-453): STNPEITITP[Ala443=]EFNLSSLASQ